The following is an entry in ClinVar:

NM_020806.5(GPHN):c.1156C>T (p.Arg386Ter)

Gene: GPHN (gephyrin; plus strand). Cytogenetic location: 14q23.3.
Variant type: single nucleotide variant.
Coding change: c.1156C>T on transcript NM_020806.5 (MANE Select); coding-DNA position 1156, C replaced by T.
Protein change: p.Arg386Ter; replaces arginine 386 with a stop codon.
Molecular consequence: nonsense.
Genome position (GRCh38, 1-based): chr14:67,088,994, C>T. VCF-style: chr14-67088994-C-T. GRCh37 (hg19) VCF-style: chr14-67555711-C-T.
Other names: c.1057C>T, p.Arg353Ter (NM_001024218.2); c.1216C>T, p.Arg406Ter (NM_001377514.1); c.1186C>T, p.Arg396Ter (NM_001377515.1); c.1177C>T, p.Arg393Ter (NM_001377516.1); c.1129C>T, p.Arg377Ter (NM_001377517.1); c.1114C>T, p.Arg372Ter (NM_001377518.1); c.1096C>T, p.Arg366Ter (NM_001377519.1); short protein forms R366*, R393*, R406*, R372*, R353*, R377*, R386*, R396*.
Identifiers: ClinVar variation 2724038 (VCV002724038.4), dbSNP rs1352910925, ClinGen allele CA390257176.

ClinVar aggregate classification (germline): Conflicting classifications of pathogenicity. Review status: criteria provided, conflicting classifications (1 of 4 stars). 2 submissions from 2 submitters: Pathogenic (1); Uncertain significance (1). Last evaluated 2024-11-06.

Conditions:
Sulfite oxidase deficiency due to molybdenum cofactor deficiency type C. Also called: Molybdenum cofactor deficiency, complementation group C; Molybdenum cofactor deficiency C. Identifiers: Orphanet 308400, Orphanet 833, MedGen C1854990, MONDO:0014212, OMIM 615501.

Submissions (2):

Labcorp Genetics (formerly Invitae), Labcorp
Classification: Pathogenic for Sulfite oxidase deficiency due to molybdenum cofactor deficiency type C. Last evaluated: 2024-11-06. Review status: criteria provided, single submitter. Criteria: Invitae Variant Classification Sherloc (09022015). Collection method: clinical testing. Allele origin: germline.
Comment: This sequence change creates a premature translational stop signal (p.Arg386*) in the GPHN gene. It is expected to result in an absent or disrupted protein product. Loss-of-function variants in GPHN are known to be pathogenic (PMID: 11095995, 23184456, 23393157, 24561070, 26613940). This variant is not present in population databases (gnomAD no frequency). This variant has not been reported in the literature in individuals affected with GPHN-related conditions. ClinVar contains an entry for this variant (Variation ID: 2724038). For these reasons, this variant has been classified as Pathogenic.

Blueprint Genetics
Classification: Uncertain significance. Last evaluated: 2023-02-24. Review status: criteria provided, single submitter. Criteria: ACMG Guidelines, 2015. Collection method: clinical testing. Allele origin: germline.

Literature cited by the submitters: PubMed 11095995 (cited by Labcorp Genetics (formerly Invitae), Labcorp); PubMed 23184456 (cited by Labcorp Genetics (formerly Invitae), Labcorp); PubMed 23393157 (cited by Labcorp Genetics (formerly Invitae), Labcorp); PubMed 24561070 (cited by Labcorp Genetics (formerly Invitae), Labcorp); PubMed 26613940 (cited by Labcorp Genetics (formerly Invitae), Labcorp).